The following is an entry in ClinVar:

ClinVar aggregate classification (germline): Pathogenic (1 of 4 stars; one submission).

Conditions:
Curry-Hall syndrome (WAD). Also called: WEYERS ACRODENTAL DYSOSTOSIS. Identifiers: Orphanet 952, MedGen C0457013, MONDO:0008673, OMIM 193530.
Ellis-van Creveld syndrome (EVC). Also called: MESOECTODERMAL DYSPLASIA; EVC-Related Ellis-van Creveld Syndrome; EVC2-Related Ellis-van Creveld Syndrome; Chondroectodermal dysplasia. Identifiers: Orphanet 289, MedGen C0013903, MONDO:0009162, OMIM 225500.

gnomAD v4.1: 5 of 1,613,788 alleles (0.00031%); highest among the groups gnomAD compares: South Asian, 0.0011%; no homozygotes.

Submission:

Labcorp Genetics (formerly Invitae), Labcorp
Classification: Pathogenic for Curry-Hall syndrome; Ellis-van Creveld syndrome. Last evaluated: 2023-05-19. Review status: criteria provided, single submitter. Criteria: Invitae Variant Classification Sherloc (09022015). Collection method: clinical testing. Allele origin: germline.
Comment: For these reasons, this variant has been classified as Pathogenic. ClinVar contains an entry for this variant (Variation ID: 951117). This variant has not been reported in the literature in individuals affected with EVC-related conditions. This variant is not present in population databases (gnomAD no frequency). This sequence change creates a premature translational stop signal (p.Cys204*) in the EVC gene. It is expected to result in an absent or disrupted protein product. Loss-of-function variants in EVC are known to be pathogenic (PMID: 23220543).

Literature cited by the submitters: PubMed 23220543.

NM_153717.3(EVC):c.612C>A (p.Cys204Ter)

Gene: EVC (EvC ciliary complex subunit 1; plus strand). Cytogenetic location: 4p16.2.
Variant type: single nucleotide variant.
Coding change: c.612C>A on transcript NM_153717.3 (MANE Select); coding-DNA position 612, C replaced by A.
Protein change: p.Cys204Ter; replaces cysteine 204 with a stop codon.
Molecular consequence: nonsense.
Genome position (GRCh38, 1-based): chr4:5,731,652, C>A. VCF-style: chr4-5731652-C-A. GRCh37 (hg19) VCF-style: chr4-5733379-C-A.
Other names: c.612C>A, p.Cys204Ter (NM_001306090.2, NM_001306092.2); short protein forms C204*.
Identifiers: ClinVar variation 951117 (VCV000951117.8), dbSNP rs553634958, ClinGen allele CA356143450.